The following is an entry in ClinVar:

ClinVar aggregate classification (germline): Benign (1 of 4 stars; one submission).

Conditions:
Gastrointestinal stromal tumor. Also called: Gastrointestinal stromal tumor, somatic; Gastrointestinal stroma tumor. Identifiers: Orphanet 44890, MedGen C0238198, MeSH D046152, MONDO:0011719, OMIM 606764, HP:0100723.

Submission:

Myriad Genetics, Inc.
Classification: Benign for Gastrointestinal stromal tumor. Last evaluated: 2026-06-04. Review status: criteria provided, single submitter. Criteria: Myriad Autosomal Dominant, Autosomal Recessive and X-Linked Classification Criteria (2023). Collection method: clinical testing. Allele origin: unknown.
Comment: This variant is considered benign. This variant has been observed at a population frequency that is significantly greater than expected given the associated disease prevalence and penetrance.

NM_000222.3(KIT):c.1621_1623delinsCTC (p.Met541Leu)

Gene: KIT (KIT proto-oncogene, receptor tyrosine kinase; plus strand). Cytogenetic location: 4q12.
Variant type: Indel.
Coding change: c.1621_1623delinsCTC on transcript NM_000222.3 (MANE Select); coding-DNA positions 1621 to 1623, ATG replaced by CTC.
Protein change: p.Met541Leu; replaces methionine 541 with leucine.
Molecular consequence: missense variant.
Genome position (GRCh38, 1-based): chr4:54,727,298-54,727,300, ATG replaced by CTC. VCF-style: chr4-54727298-ATG-CTC. GRCh37 (hg19) VCF-style: chr4-55593464-ATG-CTC.
Other names: c.1609_1611delinsCTC, p.Met537Leu (NM_001093772.2, NM_001385286.1); c.1624_1626delinsCTC, p.Met542Leu (NM_001385284.1, NM_001385290.1); c.1621_1623delinsCTC, p.Met541Leu (NM_001385285.1); c.1612_1614delinsCTC, p.Met538Leu (NM_001385288.1, NM_001385292.1); short protein forms M537L, M538L, M541L, M542L.
Identifiers: ClinVar variation 4876005 (VCV004876005.1).